The following is an entry in ClinVar:

NM_139215.3(TAF15):c.1344_1370dup (p.442SGGGYGGDR[3])

Gene: TAF15 (TATA-box binding protein associated factor 15; plus strand). Cytogenetic location: 17q12.
Variant type: Duplication.
Coding change: c.1344_1370dup on transcript NM_139215.3 (MANE Select); coding-DNA positions 1344 to 1370, 27 bases duplicated (AGACAGAAGTGGGGGTGGCTATGGTGG).
Protein change: p.442SGGGYGGDR[3].
Molecular consequence: inframe insertion.
Genome position (GRCh38, 1-based): chr17:35,844,643-35,844,669, AGACAGAAGTGGGGGTGGCTATGGTGG duplicated; duplicating any 27 consecutive bases within chr17:35,844,632-35,844,669 gives the same sequence; the c. name uses the placement nearest the transcript's 3' end. VCF-style (leftmost placement, unchanged base first): chr17-35844631-C-CGGCTATGGTGGAGACAGAAGTGGGGGT. GRCh37 (hg19) VCF-style: chr17-34171635-C-CGGCTATGGTGGAGACAGAAGTGGGGGT.
Other names: c.1335_1361dup, p.439SGGGYGGDR[3] (NM_003487.4); c.1344_1370dup27 (NM_139215.2).
Identifiers: ClinVar variation 1194773 (VCV001194773.4), dbSNP rs779360454, ClinGen allele CA728397201.
Genomic context (GRCh38, chr17:35,844,631, plus strand): 5'-GGGTGGCTATGGTGGAGACAGAAGCAGCGGTGGTGGCTACAGCGGAGATAGAAGTGGGGG[C>CGGCTATGGTGGAGACAGAAGTGGGGGT]GGCTATGGTGGAGACAGAAGTGGGGGTGGCTATGGTGGGGACAGAGGCGGCGGCTATGGT-3'

ClinVar aggregate classification (germline): Likely benign. Review status: criteria provided, single submitter (1 of 4 stars). 2 submissions from 2 submitters: Likely benign (1). 1 of the submissions does not count toward it. Last evaluated 2019-12-06.

Conditions:
TAF15-related disorder. Also called: TAF15-related condition.

Submissions (2):

GeneDx
Classification: Likely benign. Last evaluated: 2019-12-06. Review status: criteria provided, single submitter. Criteria: GeneDx Variant Classification Process June 2021. Collection method: clinical testing. Allele origin: germline. Affected: yes.

PreventionGenetics, part of Exact Sciences
Classification: Likely benign for TAF15-related condition. Last evaluated: 2021-08-27. Review status: no assertion criteria provided. Collection method: clinical testing. Allele origin: germline. Not counted in ClinVar's aggregate classification.
Comment: This variant is classified as likely benign based on ACMG/AMP sequence variant interpretation guidelines (Richards et al. 2015 PMID: 25741868, with internal and published modifications).